The following is an entry in ClinVar:

NM_198525.3(KIF7):c.3574G>A (p.Ala1192Thr)

Genes: KIF7 (kinesin family member 7; minus strand), LOC126862216 (BRD4-independent group 4 enhancer GRCh37_chr15:90171995-90173194; plus strand). Cytogenetic location: 15q26.1.
Variant type: single nucleotide variant.
Coding change: c.3574G>A on transcript NM_198525.3 (MANE Select); coding-DNA position 3574, G replaced by A.
Protein change: p.Ala1192Thr; replaces alanine 1192 with threonine.
Molecular consequence: missense variant.
Genome position (GRCh38, 1-based): chr15:89,629,066, C>T on the plus strand (G>A on the coding strand, the complement: KIF7 is on the minus strand). VCF-style: chr15-89629066-C-T. GRCh37 (hg19) VCF-style: chr15-90172297-C-T.
Other names: short protein forms A1192T.
Identifiers: ClinVar variation 1424756 (VCV001424756.6), dbSNP rs2141992697, ClinGen allele CA393754090.

ClinVar aggregate classification (germline): Uncertain significance (1 of 4 stars; one submission).

Conditions:
Acrocallosal syndrome (ACLS). Also called: HALLUX DUPLICATION, POSTAXIAL POLYDACTYLY, AND ABSENCE OF CORPUS CALLOSUM; Schinzel syndrome 1; Absence of corpus callosum with unusual facial appearance, mental deficiency, duplication of the halluces and polydactyly. Identifiers: Orphanet 36, MedGen C0796147, MONDO:0008708, OMIM 200990.

Allele frequency attached by ClinVar (database versions not stated): gnomAD exomes below 0.00001.
gnomAD v4.1: 5 of 1,613,384 alleles (0.00031%); highest among the groups gnomAD compares: Non-Finnish European, 0.00034%; no homozygotes.

Submission:

Labcorp Genetics (formerly Invitae), Labcorp
Classification: Uncertain significance for Acrocallosal syndrome. Last evaluated: 2021-11-06. Review status: criteria provided, single submitter. Criteria: Invitae Variant Classification Sherloc (09022015). Collection method: clinical testing. Allele origin: germline.
Comment: This sequence change replaces alanine, which is neutral and non-polar, with threonine, which is neutral and polar, at codon 1192 of the KIF7 protein (p.Ala1192Thr). This variant is not present in population databases (gnomAD no frequency). This variant has not been reported in the literature in individuals affected with KIF7-related conditions. Algorithms developed to predict the effect of missense changes on protein structure and function output the following: SIFT: "Tolerated"; PolyPhen-2: "Benign"; Align-GVGD: "Class C0". The threonine amino acid residue is found in multiple mammalian species, which suggests that this missense change does not adversely affect protein function. In summary, the available evidence is currently insufficient to determine the role of this variant in disease. Therefore, it has been classified as a Variant of Uncertain Significance.